The following is an entry in ClinVar:

NM_000159.4(GCDH):c.198del (p.Ile67fs)

Genes: GCDH (glutaryl-CoA dehydrogenase; plus strand), LOC117125594 (CRISPRi-FlowFISH-validated KLF1 regulatory element; plus strand). Cytogenetic location: 19p13.13.
Variant type: Deletion.
Coding change: c.198del on transcript NM_000159.4 (MANE Select); coding-DNA position 198, one base deleted (C; older notation c.198delC).
Protein change: p.Ile67fs; shifts the reading frame from isoleucine 67.
Molecular consequence: frameshift variant. On other transcripts: non-coding transcript variant (2).
Genome position (GRCh38, 1-based): chr19:12,891,901, C deleted. VCF-style (leftmost placement, unchanged base first): chr19-12891900-TC-T. GRCh37 (hg19) VCF-style: chr19-13002714-TC-T.
Other names: c.198del, p.Ile67fs (NM_013976.5); c.198del (NM_000159.3); short protein forms I67fs.
Identifiers: ClinVar variation 371205 (VCV000371205.15), dbSNP rs1057517088, ClinGen allele CA16041964.

ClinVar aggregate classification (germline): Pathogenic/Likely pathogenic. Review status: criteria provided, multiple submitters, no conflicts (2 of 4 stars). 5 submissions from 5 submitters: Pathogenic (2); Likely pathogenic (2). 1 of the submissions does not count toward it. Last evaluated 2025-10-28.

Conditions:
Glutaric aciduria, type 1. Also called: Glutaric acidemia type I; Glutaricaciduria, type I; Glutaryl-CoA dehydrogenase deficiency; Glutaricacidemia Type 1; Glutaric Acidemia Type 1; GA I. Identifiers: Orphanet 25, MedGen C0268595, MONDO:0009281, OMIM 231670.

Allele frequency attached by ClinVar (database versions not stated): TOPMed below 0.00001; gnomAD 0.00001; gnomAD exomes 0.00001.

Submissions (5):

Natera, Inc.
Classification: Likely pathogenic for Glutaric acidemia type 1. Last evaluated: 2025-10-28. Review status: criteria provided, single submitter. Criteria: Natera Variant Classification Schema (03/2026). Collection method: clinical testing. Allele origin: germline.
Comment: The c.198del variant in GCDH is a frameshift variant predicted to shift the reading frame beginning at codon 67 and leads to a stop codon 75 codons downstream. This variant is expected to result in nonsense mediated decay, truncation, or a dysfunctional protein product. This variant is rare in the general population with a frequency below the threshold expected for the associated phenotype(s). Given the available evidence, this variant is classified as Likely Pathogenic.

Baylor Genetics
Classification: Likely pathogenic for Glutaric aciduria, type 1. Last evaluated: 2023-12-19. Review status: criteria provided, single submitter. Criteria: ACMG Guidelines, 2015. Collection method: clinical testing. Allele origin: unknown.

Labcorp Genetics (formerly Invitae), Labcorp
Classification: Pathogenic for Glutaric aciduria, type 1. Last evaluated: 2023-07-15. Review status: criteria provided, single submitter. Criteria: Invitae Variant Classification Sherloc (09022015). Collection method: clinical testing. Allele origin: germline.
Comment: For these reasons, this variant has been classified as Pathogenic. ClinVar contains an entry for this variant (Variation ID: 371205). This variant has not been reported in the literature in individuals affected with GCDH-related conditions. This variant is not present in population databases (gnomAD no frequency). This sequence change creates a premature translational stop signal (p.Ile67Serfs*75) in the GCDH gene. It is expected to result in an absent or disrupted protein product. Loss-of-function variants in GCDH are known to be pathogenic (PMID: 10699052, 11854167, 16602100).

GeneDx
Classification: Pathogenic. Last evaluated: 2019-09-27. Review status: criteria provided, single submitter. Criteria: GeneDx Variant Classification Process June 2021. Collection method: clinical testing. Allele origin: germline. Affected: yes.
Comment: Frameshift variant predicted to result in protein truncation or nonsense mediated decay in a gene for which loss-of-function is a known mechanism of disease; Not observed in large population cohorts (Lek et al., 2016); Has not been previously published as pathogenic or benign to our knowledge

Counsyl
Classification: Likely pathogenic for Glutaric aciduria, type 1. Last evaluated: 2016-07-27. Review status: no assertion criteria provided. Collection method: clinical testing. Allele origin: unknown. Not counted in ClinVar's aggregate classification.

Literature cited by the submitters: PubMed 10699052 (cited by Labcorp Genetics (formerly Invitae), Labcorp); PubMed 11854167 (cited by Labcorp Genetics (formerly Invitae), Labcorp); PubMed 16602100 (cited by Labcorp Genetics (formerly Invitae), Labcorp).